The following is an entry in ClinVar:

ClinVar aggregate classification (germline): Uncertain significance (1 of 4 stars; one submission).

Conditions:
Cardiovascular phenotype. Identifiers: MedGen CN230736.

Submission:

Ambry Genetics
Classification: Uncertain significance for Cardiovascular phenotype. Last evaluated: 2023-04-03. Review status: criteria provided, single submitter. Criteria: Ambry Variant Classification Scheme 2023. Collection method: clinical testing. Allele origin: germline.
Comment: The p.P2194S variant (also known as c.6580C>T), located in coding exon 24 of the DSP gene, results from a C to T substitution at nucleotide position 6580. The proline at codon 2194 is replaced by serine, an amino acid with similar properties. This amino acid position is conserved. In addition, the in silico prediction for this alteration is inconclusive. Since supporting evidence is limited at this time, the clinical significance of this alteration remains unclear.

NM_004415.4(DSP):c.6580C>T (p.Pro2194Ser)

Gene: DSP (desmoplakin; plus strand). Cytogenetic location: 6p24.3.
Variant type: single nucleotide variant.
Coding change: c.6580C>T on transcript NM_004415.4 (MANE Select); coding-DNA position 6580, C replaced by T.
Protein change: p.Pro2194Ser; replaces proline 2194 with serine.
Molecular consequence: missense variant.
Genome position (GRCh38, 1-based): chr6:7,583,842, C>T. VCF-style: chr6-7583842-C-T. GRCh37 (hg19) VCF-style: chr6-7584075-C-T.
Other names: c.4783C>T, p.Pro1595Ser (NM_001008844.3); c.5251C>T, p.Pro1751Ser (NM_001319034.2); short protein forms P1595S, P2194S, P1751S.
Identifiers: ClinVar variation 2567517 (VCV002567517.2), dbSNP rs2533942086, ClinGen allele CA362691100.